The following is an entry in ClinVar:

ClinVar aggregate classification (germline): Likely benign. Review status: criteria provided, multiple submitters, no conflicts (2 of 4 stars). 4 submissions from 4 submitters: Likely benign (4). Last evaluated 2025-06-01.

Conditions:
Cardiovascular phenotype. Identifiers: MedGen CN230736.
Autosomal recessive limb-girdle muscular dystrophy type 2J (LGMDR10). Also called: MUSCULAR DYSTROPHY, LIMB-GIRDLE, AUTOSOMAL RECESSIVE 10; Limb-girdle muscular dystrophy, type 2J. Identifiers: Orphanet 140922, MedGen C1837342, MONDO:0012127, OMIM 608807.
Dilated cardiomyopathy 1G (CMD1G). Identifiers: Orphanet 154, MedGen C1858763, MONDO:0011400, OMIM 604145.

Allele frequency attached by ClinVar (database versions not stated): gnomAD exomes below 0.00001; gnomAD 0.00001.
gnomAD v4.1: 2 of 1,613,618 alleles (0.00012%); highest among the groups gnomAD compares: African/African-American, 0.0027%; no homozygotes.

Submissions (4):

CeGaT Center for Human Genetics Tuebingen
Classification: Likely benign. Last evaluated: 2025-06-01. Review status: criteria provided, single submitter. Criteria: CeGaT Center For Human Genetics Tuebingen Variant Classification Criteria Version 2. Collection method: clinical testing. Allele origin: germline. Affected: yes. Observed: 1 variant allele.
Comment: TTN: BP4, BP7

Molecular Diagnostic Laboratory for Inherited Cardiovascular Disease, Montreal Heart Institute
Classification: Likely benign. Last evaluated: 2025-04-09. Review status: criteria provided, single submitter. Criteria: ACMG Guidelines, 2015. Collection method: clinical testing. Allele origin: germline. Affected: no.

Labcorp Genetics (formerly Invitae), Labcorp
Classification: Likely benign for Dilated cardiomyopathy 1G; Autosomal recessive limb-girdle muscular dystrophy type 2J. Last evaluated: 2022-03-14. Review status: criteria provided, single submitter. Criteria: Invitae Variant Classification Sherloc (09022015). Collection method: clinical testing. Allele origin: germline.

Ambry Genetics
Classification: Likely benign for Cardiovascular phenotype. Last evaluated: 2019-06-17. Review status: criteria provided, single submitter. Criteria: Ambry Variant Classification Scheme 2023. Collection method: clinical testing. Allele origin: germline.

NM_001267550.2(TTN):c.81801A>G (p.Arg27267=)

Genes: TTN (titin; minus strand), TTN-AS1 (TTN antisense RNA 1; plus strand). Cytogenetic location: 2q31.2.
Variant type: single nucleotide variant.
Coding change: c.81801A>G on transcript NM_001267550.2 (MANE Select); coding-DNA position 81801, A replaced by G.
Protein change: p.Arg27267=; no amino-acid change (arginine 27267 retained).
Molecular consequence: synonymous variant.
Genome position (GRCh38, 1-based): chr2:178,564,331, T>C on the plus strand (A>G on the coding strand, the complement: TTN is on the minus strand). VCF-style: chr2-178564331-T-C. GRCh37 (hg19) VCF-style: chr2-179429058-T-C.
Other names: c.76878A>G, p.Arg25626= (NM_001256850.1); c.54606A>G, p.Arg18202= (NM_003319.4); c.74097A>G, p.Arg24699= (NM_133378.4); c.54981A>G, p.Arg18327= (NM_133432.3); c.55182A>G, p.Arg18394= (NM_133437.4).
Identifiers: ClinVar variation 1747666 (VCV001747666.18), dbSNP rs1704850642, ClinGen allele CA430250830.